The following is an entry in ClinVar:

ClinVar aggregate classification (germline): Benign (1 of 4 stars; one submission).

Conditions:
Immunodeficiency 51 (IMD51). Also called: CANDIDIASIS, FAMILIAL, 5. Identifiers: Orphanet 1334, MedGen C4310803, MONDO:0013500, OMIM 613953.

Allele frequency attached by ClinVar (database versions not stated): TOPMed 0.00589; 1000 Genomes Project 30x 0.00625; 1000 Genomes Project 0.00639.

Submission:

Illumina Laboratory Services, Illumina
Classification: Benign for Immunodeficiency 51. Last evaluated: 2018-01-13. Review status: criteria provided, single submitter. Criteria: ICSL Variant Classification Criteria 13 December 2019. Collection method: clinical testing. Allele origin: germline.
Comment: This variant was observed in the ICSL laboratory as part of a predisposition screen in an ostensibly healthy population. It had not been previously curated by ICSL or reported in the Human Gene Mutation Database (HGMD: prior to June 1st, 2018), and was therefore a candidate for classification through an automated scoring system. Utilizing variant allele frequency, disease prevalence and penetrance estimates, and inheritance mode, an automated score was calculated to assess if this variant is too frequent to cause the disease. Based on the score and internal cut-off values, a variant classified as benign is not then subjected to further curation. The score for this variant resulted in a classification of benign for this disease.

NM_014339.7(IL17RA):c.*803G>A

Gene: IL17RA (interleukin 17 receptor A; plus strand). Cytogenetic location: 22q11.1.
Variant type: single nucleotide variant.
Coding change: c.*803G>A on transcript NM_014339.7 (MANE Select); 803 bases downstream of the stop codon, G replaced by A.
Molecular consequence: 3 prime UTR variant.
Genome position (GRCh38, 1-based): chr22:17,110,623, G>A. VCF-style: chr22-17110623-G-A. GRCh37 (hg19) VCF-style: chr22-17591513-G-A.
Other names: c.*803G>A (NM_001289905.2).
Identifiers: ClinVar variation 898266 (VCV000898266.4), dbSNP rs12158721, ClinGen allele CA321155445.
Genomic context (GRCh38, chr22:17,110,623, plus strand): 5'-TCATGCTTGTAATCCCAGCACTTTGGGAAGGCGAGGCAGGTGGATTGCTTGAGCTCAGGA[G>A]TTCAAGACCAGCCTGGGCGACATAGTGAGACCTCATCTCTACCTAAATTTTTTTTTAGTC-3'